The following is an entry in ClinVar:

ClinVar aggregate classification (germline): Uncertain significance. Review status: criteria provided, multiple submitters, no conflicts (2 of 4 stars). 2 submissions from 2 submitters: Uncertain significance (2). Last evaluated 2024-09-25.

Conditions:
Isolated neonatal sclerosing cholangitis (NSC). Also called: Sclerosing cholangitis, neonatal. Identifiers: Orphanet 480556, MedGen C4479344, MONDO:0018816, OMIM 617394.
Autosomal recessive nonsyndromic hearing loss 66 (DFNB66). Also called: Deafness, autosomal recessive 66. Identifiers: Orphanet 90636, MedGen C1857750, MONDO:0012442, OMIM 610212.
Inborn genetic diseases. Identifiers: MedGen C0950123, MeSH D030342.

Allele frequency attached by ClinVar (database versions not stated): gnomAD exomes 0.00001; ExAC 0.00002; gnomAD 0.00002; TOPMed 0.00002.
gnomAD v4.1: 62 of 1,614,030 alleles (0.0038%); highest among the groups gnomAD compares: Non-Finnish European, 0.0051%; no homozygotes.

Submissions (2):

Ambry Genetics
Classification: Uncertain significance for Inborn genetic diseases. Last evaluated: 2024-09-25. Review status: criteria provided, single submitter. Criteria: Ambry Variant Classification Scheme 2023. Collection method: clinical testing. Allele origin: germline.

Labcorp Genetics (formerly Invitae), Labcorp
Classification: Uncertain significance for Autosomal recessive nonsyndromic hearing loss 66; Isolated neonatal sclerosing cholangitis. Last evaluated: 2022-08-22. Review status: criteria provided, single submitter. Criteria: Invitae Variant Classification Sherloc (09022015). Collection method: clinical testing. Allele origin: germline.
Comment: In summary, the available evidence is currently insufficient to determine the role of this variant in disease. Therefore, it has been classified as a Variant of Uncertain Significance. Algorithms developed to predict the effect of missense changes on protein structure and function (SIFT, PolyPhen-2, Align-GVGD) all suggest that this variant is likely to be tolerated. ClinVar contains an entry for this variant (Variation ID: 660101). This variant has not been reported in the literature in individuals affected with DCDC2-related conditions. The frequency data for this variant in the population databases is considered unreliable, as metrics indicate poor data quality at this position in the gnomAD database. This sequence change replaces proline, which is neutral and non-polar, with leucine, which is neutral and non-polar, at codon 385 of the DCDC2 protein (p.Pro385Leu).

NM_016356.5(DCDC2):c.1154C>T (p.Pro385Leu)

Gene: DCDC2 (doublecortin domain containing 2; minus strand). Cytogenetic location: 6p22.3.
Variant type: single nucleotide variant.
Coding change: c.1154C>T on transcript NM_016356.5 (MANE Select); coding-DNA position 1154, C replaced by T.
Protein change: p.Pro385Leu; replaces proline 385 with leucine.
Molecular consequence: missense variant.
Genome position (GRCh38, 1-based): chr6:24,178,502, G>A on the plus strand (C>T on the coding strand, the complement: DCDC2 is on the minus strand). VCF-style: chr6-24178502-G-A. GRCh37 (hg19) VCF-style: chr6-24178730-G-A.
Other names: c.1154C>T (NM_016356.3); c.1154C>T, p.Pro385Leu (NM_001195610.2); short protein forms P385L.
Identifiers: ClinVar variation 660101 (VCV000660101.9), dbSNP rs773020868, ClinGen allele CA3654500.